The following is an entry in ClinVar:

NM_000258.3(MYL3):c.121A>G (p.Lys41Glu)

Gene: MYL3 (myosin light chain 3; minus strand). Cytogenetic location: 3p21.31.
Variant type: single nucleotide variant.
Coding change: c.121A>G on transcript NM_000258.3 (MANE Select); coding-DNA position 121, A replaced by G.
Protein change: p.Lys41Glu; replaces lysine 41 with glutamic acid.
Molecular consequence: missense variant.
Genome position (GRCh38, 1-based): chr3:46,863,270, T>C on the plus strand (A>G on the coding strand, the complement: MYL3 is on the minus strand). VCF-style: chr3-46863270-T-C. GRCh37 (hg19) VCF-style: chr3-46904760-T-C.
Other names: c.121A>G, p.Lys41Glu (NM_001406937.1, NM_001406938.1, NM_001406939.1); short protein forms K41E.
Identifiers: ClinVar variation 3723619 (VCV003723619.5).

ClinVar aggregate classification (germline): Uncertain significance. Review status: criteria provided, multiple submitters, no conflicts (2 of 4 stars). 3 submissions from 3 submitters: Uncertain significance (3). Last evaluated 2026-09-09.

Conditions:
Cardiovascular phenotype. Identifiers: MedGen CN230736.
Hypertrophic cardiomyopathy. Also called: HYPERTROPHIC MYOCARDIOPATHY. Identifiers: Orphanet 217569, MedGen C0007194, MeSH D002312, MONDO:0005045, HP:0001639.

Submissions (3):

GeneDx
Classification: Uncertain significance. Last evaluated: 2026-09-09. Review status: criteria provided, single submitter. Criteria: GeneDx Variant Classification Process June 2021. Collection method: clinical testing. Allele origin: germline.
Comment: Not observed at significant frequency in large population cohorts (gnomAD); In silico analysis supports that this missense variant has a deleterious effect on protein structure/function; Has not been previously published as pathogenic or benign to our knowledge

Ambry Genetics
Classification: Uncertain significance for Cardiovascular phenotype. Last evaluated: 2025-12-16. Review status: criteria provided, single submitter. Criteria: Ambry Variant Classification Scheme 2023. Collection method: clinical testing. Allele origin: germline.

Labcorp Genetics (formerly Invitae), Labcorp
Classification: Uncertain significance for Hypertrophic cardiomyopathy. Last evaluated: 2024-11-03. Review status: criteria provided, single submitter. Criteria: Invitae Variant Classification Sherloc (09022015). Collection method: clinical testing. Allele origin: germline.
Comment: This sequence change replaces lysine, which is basic and polar, with glutamic acid, which is acidic and polar, at codon 41 of the MYL3 protein (p.Lys41Glu). This variant is not present in population databases (gnomAD no frequency). This variant has not been reported in the literature in individuals affected with MYL3-related conditions. An algorithm developed to predict the effect of missense changes on protein structure and function (PolyPhen-2) suggests that this variant is likely to be tolerated. In summary, the available evidence is currently insufficient to determine the role of this variant in disease. Therefore, it has been classified as a Variant of Uncertain Significance.